The following is an entry in ClinVar:

NM_021954.4(GJA3):c.1152dup (p.Ser385fs)

Gene: GJA3 (gap junction protein alpha 3; minus strand). Cytogenetic location: 13q12.11.
Variant type: Duplication.
Coding change: c.1152dup on transcript NM_021954.4 (MANE Select); coding-DNA position 1152, one base duplicated (G; older notation c.1152dupG).
Protein change: p.Ser385fs; shifts the reading frame from serine 385.
Molecular consequence: frameshift variant.
Genome position (GRCh38, 1-based): chr13:20,142,137, C duplicated on the plus strand (G on the coding strand, the reverse complement: GJA3 is on the minus strand); the first of 4 consecutive C bases (chr13:20,142,137-20,142,140); duplicating any one gives the same sequence. VCF-style (leftmost placement, unchanged base first): chr13-20142136-T-TC. GRCh37 (hg19) VCF-style: chr13-20716275-T-TC.
Other names: short protein forms S385fs.
Identifiers: ClinVar variation 3253700 (VCV003253700.1), dbSNP rs2500167645.

ClinVar aggregate classification (germline): Likely pathogenic (1 of 4 stars; one submission).

Conditions:
Cataract 14 multiple types. Also called: CATARACT 14, ZONULAR PULVERULENT; CATARACT 14, NUCLEAR PULVERULENT; CATARACT 14, NUCLEAR PULVERULENT AND POSTERIOR POLAR; CATARACT 14, NUCLEAR CORALLIFORM; CATARACT 14, EMBRYONAL NUCLEAR; CATARACT 14, COPPOCK-LIKE. Identifiers: Orphanet 91492, MedGen C1866078, MONDO:0011162, OMIM 601885.

Submission:

Dept. Genetics and Cancer, Menzies Institute for Medical Research, University of Tasmania
Classification: Likely pathogenic for Cataract 14 multiple types. Last evaluated: 2023-01-21. Review status: criteria provided, single submitter. Criteria: ACMG Guidelines, 2015. Collection method: curation. Allele origin: germline. Affected: yes.
Comment: Variant identified and curated during a GJA3 specific review of the literature in relation to pediatric or congenital cataract. ACMG-AMP criteria applied: PVS1(Strong), PS4(Supporting), PM2(Supporting). Original variant report: PMID:30076350;31842807. The cataract phenotype reported for this variant is: Nuclear/lamellar with blue punctate opacities. Gene review and curation guidelines are outlined in: DOI 10.1080/17469899.2023.2160320

Literature cited by the submitters: PubMed 30076350; PubMed 31842807.